The following is an entry in ClinVar:

NM_003072.5(SMARCA4):c.3991C>A (p.Pro1331Thr)

Gene: SMARCA4 (SWI/SNF related BAF chromatin remodeling complex subunit ATPase 4; plus strand). Cytogenetic location: 19p13.2.
Variant type: single nucleotide variant.
Coding change: c.3991C>A on transcript NM_003072.5 (MANE Select); coding-DNA position 3991, C replaced by A.
Protein change: p.Pro1331Thr; replaces proline 1331 with threonine.
Molecular consequence: missense variant. On other transcripts: non-coding transcript variant (1).
Genome position (GRCh38, 1-based): chr19:11,034,953, C>A. VCF-style: chr19-11034953-C-A. GRCh37 (hg19) VCF-style: chr19-11145629-C-A.
Other names: c.3991C>A, p.Pro1331Thr (NM_001128844.3, NM_001128849.3, NM_001387283.1); c.3892C>A, p.Pro1298Thr (NM_001128845.2, NM_001128846.2, NM_001128847.4 and 3 more transcripts); short protein forms P1298T, P1331T.
Identifiers: ClinVar variation 4798488 (VCV004798488.1).

ClinVar aggregate classification (germline): Uncertain significance (1 of 4 stars; one submission).

Conditions:
Rhabdoid tumor predisposition syndrome 2 (RTPS2). Identifiers: Orphanet 231108, Orphanet 69077, MedGen C2750074, MONDO:0013224, OMIM 613325.

Submission:

Labcorp Genetics (formerly Invitae), Labcorp
Classification: Uncertain significance for Rhabdoid tumor predisposition syndrome 2. Last evaluated: 2025-03-19. Review status: criteria provided, single submitter. Criteria: Invitae Variant Classification Sherloc (09022015). Collection method: clinical testing. Allele origin: germline.
Comment: This sequence change replaces proline, which is neutral and non-polar, with threonine, which is neutral and polar, at codon 1331 of the SMARCA4 protein (p.Pro1331Thr). This variant is not present in population databases (gnomAD no frequency). This variant has not been reported in the literature in individuals affected with SMARCA4-related conditions. Invitae Evidence Modeling of protein sequence and biophysical properties (such as structural, functional, and spatial information, amino acid conservation, physicochemical variation, residue mobility, and thermodynamic stability) indicates that this missense variant is not expected to disrupt SMARCA4 protein function with a negative predictive value of 80%. In summary, the available evidence is currently insufficient to determine the role of this variant in disease. Therefore, it has been classified as a Variant of Uncertain Significance.